The following is an entry in ClinVar:

ClinVar aggregate classification (germline): Pathogenic (1 of 4 stars; one submission).

Conditions:
Early-infantile DEE. Also called: Early infantile epileptic encephalopathy; Early infantile epileptic encephalopathy with suppression bursts; Ohtahara syndrome. Identifiers: Orphanet 1934, MedGen C0393706, MONDO:0800491.

Submission:

Labcorp Genetics (formerly Invitae), Labcorp
Classification: Pathogenic for Early-infantile DEE. Last evaluated: 2018-07-15. Review status: criteria provided, single submitter. Criteria: Invitae Variant Classification Sherloc (09022015). Collection method: clinical testing. Allele origin: germline.
Comment: This sequence change creates a premature translational stop signal (p.Ala476Glnfs*14) in the SCN1A gene. It is expected to result in an absent or disrupted protein product. This variant is not present in population databases (ExAC no frequency). This variant has not been reported in the literature in individuals with SCN1A-related disease. Loss-of-function variants in SCN1A are known to be pathogenic (PMID: 17347258, 18930999). For these reasons, this variant has been classified as Pathogenic.

Literature cited by the submitters: PubMed 17347258; PubMed 18930999.

NM_001165963.4(SCN1A):c.1426del (p.Ala476fs)

Gene: SCN1A (sodium voltage-gated channel alpha subunit 1; minus strand). Cytogenetic location: 2q24.3.
Variant type: Deletion.
Coding change: c.1426del on transcript NM_001165963.4 (MANE Select); coding-DNA position 1426, one base deleted (G; older notation c.1426delG).
Protein change: p.Ala476fs; shifts the reading frame from alanine 476.
Molecular consequence: frameshift variant. On other transcripts: 5 prime UTR variant (1), non-coding transcript variant (1).
Genome position (GRCh38, 1-based): chr2:166,045,279, C deleted on the plus strand (G on the coding strand, the reverse complement: SCN1A is on the minus strand). VCF-style (leftmost placement, unchanged base first): chr2-166045278-GC-G. GRCh37 (hg19) VCF-style: chr2-166901788-GC-G.
Other names: c.1426del, p.Ala476fs (NM_001165964.3, NM_001202435.3, NM_001353948.2 and 7 more transcripts); c.1423del, p.Ala475fs (NM_001353954.2, NM_001353955.2, NM_001353960.2); c.-1000del (NM_001353961.2); short protein forms A475fs, A476fs.
Identifiers: ClinVar variation 642461 (VCV000642461.7), dbSNP rs1574225593, ClinGen allele CA915942920.